The following is an entry in ClinVar:

NM_138295.5(PKD1L1):c.4240G>A (p.Gly1414Arg)

Gene: PKD1L1 (polycystin 1 like 1, transient receptor potential channel interacting; minus strand). Cytogenetic location: 7p12.3.
Variant type: single nucleotide variant.
Coding change: c.4240G>A on transcript NM_138295.5 (MANE Select); coding-DNA position 4240, G replaced by A.
Protein change: p.Gly1414Arg; replaces glycine 1414 with arginine.
Molecular consequence: missense variant.
Genome position (GRCh38, 1-based): chr7:47,858,795, C>T on the plus strand (G>A on the coding strand, the complement: PKD1L1 is on the minus strand). VCF-style: chr7-47858795-C-T. GRCh37 (hg19) VCF-style: chr7-47898393-C-T.
Other names: short protein forms G1414R.
Identifiers: ClinVar variation 4803497 (VCV004803497.1).
Genomic context (GRCh38, chr7:47,858,795, plus strand): 5'-TTTCTTGCTCAGAGACTTCCCAGACTCTGGATATGAGACCGATGAGCTCAAGCCTCACTC[C>T]TTTGTCAATCACAAATGGCCCCGAGAACTGGCCTTGAGCAAGGAGTGCCCGGGTGTACTT-3'
Protein context (NP_612152.1, residues 1404-1424): QFSGPFVIDK[Gly1414Arg]VRLELIGLIS

ClinVar aggregate classification (germline): Uncertain significance (1 of 4 stars; one submission).

Submission:

Labcorp Genetics (formerly Invitae), Labcorp
Classification: Uncertain significance. Last evaluated: 2025-12-18. Review status: criteria provided, single submitter. Criteria: Invitae Variant Classification Sherloc (09022015). Collection method: clinical testing. Allele origin: germline.
Comment: This sequence change replaces glycine, which is neutral and non-polar, with arginine, which is basic and polar, at codon 1414 of the PKD1L1 protein (p.Gly1414Arg). This variant is not present in population databases (gnomAD no frequency). This variant has not been reported in the literature in individuals affected with PKD1L1-related conditions. Invitae Evidence Modeling of protein sequence and biophysical properties (such as structural, functional, and spatial information, amino acid conservation, physicochemical variation, residue mobility, and thermodynamic stability) indicates that this missense variant is not expected to disrupt PKD1L1 protein function with a negative predictive value of 80%. In summary, the available evidence is currently insufficient to determine the role of this variant in disease. Therefore, it has been classified as a Variant of Uncertain Significance.